The following is an entry in ClinVar:

NM_001849.4(COL6A2):c.1969+4A>C

Gene: COL6A2 (collagen type VI alpha 2 chain; plus strand). Cytogenetic location: 21q22.3.
Variant type: single nucleotide variant.
Coding change: c.1969+4A>C on transcript NM_001849.4 (MANE Select); 4 bases into the intron after coding-DNA position 1969, A replaced by C.
Molecular consequence: intron variant.
Genome position (GRCh38, 1-based): chr21:46,125,621, A>C. VCF-style: chr21-46125621-A-C. GRCh37 (hg19) VCF-style: chr21-47545535-A-C.
Other names: c.1969+4A>C (NM_058175.3, NM_058174.3).
Identifiers: ClinVar variation 289911 (VCV000289911.15), dbSNP rs775997945, ClinGen allele CA10072352.

ClinVar aggregate classification (germline): Conflicting classifications of pathogenicity. Review status: criteria provided, conflicting classifications (1 of 4 stars). 4 submissions from 4 submitters: Uncertain significance (3); Likely benign (1). Last evaluated 2026-01-22.

Conditions:
Myosclerosis. Also called: MYOPATHY, MYOSCLEROTIC; MYOSCLEROSIS, CONGENITAL, OF LOWENTHAL; Myosclerosis, congenital. Identifiers: Orphanet 289380, MedGen C1850671, MONDO:0009714, OMIM 255600.
Bethlem myopathy 1A. Also called: MYOPATHY, BENIGN CONGENITAL, WITH CONTRACTURES; Bethlem myopathy 1; Bethlem Muscular Dystrophy. Identifiers: Orphanet 610, MedGen CN029274, MONDO:0024530, OMIM 158810.

Allele frequency attached by ClinVar (database versions not stated): gnomAD 0.00003 and 0.00002; TOPMed 0.00005.
gnomAD v4.1: 39 of 1,580,604 alleles (0.0025%); highest among the groups gnomAD compares: Middle Eastern, 0.15%; no homozygotes.

Submissions (4):

Labcorp Genetics (formerly Invitae), Labcorp
Classification: Uncertain significance for Bethlem myopathy 1A. Last evaluated: 2026-01-22. Review status: criteria provided, single submitter. Criteria: Invitae Variant Classification Sherloc (09022015). Collection method: clinical testing. Allele origin: germline.
Comment: This sequence change falls in intron 25 of the COL6A2 gene. It does not directly change the encoded amino acid sequence of the COL6A2 protein. It affects a nucleotide within the consensus splice site. This variant is present in population databases (rs775997945, gnomAD 0.007%). This variant has not been reported in the literature in individuals affected with COL6A2-related conditions. ClinVar contains an entry for this variant (Variation ID: 289911). Variants that disrupt the consensus splice site are a relatively common cause of aberrant splicing (PMID: 17576681, 9536098). Algorithms developed to predict the effect of sequence changes on RNA splicing suggest that this variant is not likely to affect RNA splicing. In summary, the available evidence is currently insufficient to determine the role of this variant in disease. Therefore, it has been classified as a Variant of Uncertain Significance.

Blueprint Genetics
Classification: Likely benign. Last evaluated: 2022-02-02. Review status: criteria provided, single submitter. Criteria: ACMG Guidelines, 2015. Collection method: clinical testing. Allele origin: germline.

Baylor Genetics
Classification: Uncertain significance for Myosclerosis. Last evaluated: 2020-01-31. Review status: criteria provided, single submitter. Criteria: ACMG Guidelines, 2015. Collection method: clinical testing. Allele origin: unknown. Affected: yes.
Comment: This variant was determined to be of uncertain significance according to ACMG Guidelines, 2015 [PMID:25741868].

Eurofins Ntd Llc (ga)
Classification: Uncertain significance. Last evaluated: 2016-08-11. Review status: criteria provided, single submitter. Criteria: EGL Classification Definitions 2015. Collection method: clinical testing. Allele origin: germline. Observed: 1 variant allele, 1 heterozygote.

Literature cited by the submitters: PubMed 17576681 (cited by Labcorp Genetics (formerly Invitae), Labcorp); PubMed 9536098 (cited by Labcorp Genetics (formerly Invitae), Labcorp).